The following is an entry in ClinVar:

ClinVar aggregate classification (germline): Uncertain significance (1 of 4 stars; one submission).

Conditions:
Inborn genetic diseases. Identifiers: MedGen C0950123, MeSH D030342.

Submission:

Ambry Genetics
Classification: Uncertain significance for Inborn genetic diseases. Last evaluated: 2026-08-28. Review status: criteria provided, single submitter. Criteria: Ambry Variant Classification Scheme 2023. Collection method: clinical testing. Allele origin: germline.
Comment: The p.L977P variant (also known as c.2930T>C), located in coding exon 30 of the FANCA gene, results from a T to C substitution at nucleotide position 2930. The leucine at codon 977 is replaced by proline, an amino acid with similar properties. This amino acid position is conserved. In addition, this alteration is predicted to be deleterious by in silico analysis. Based on the available evidence, the clinical significance of this variant remains unclear.

NM_000135.4(FANCA):c.2930T>C (p.Leu977Pro)

Gene: FANCA (FA complementation group A; minus strand). Cytogenetic location: 16q24.3.
Variant type: single nucleotide variant.
Coding change: c.2930T>C on transcript NM_000135.4 (MANE Select); coding-DNA position 2930, T replaced by C.
Protein change: p.Leu977Pro; replaces leucine 977 with proline.
Molecular consequence: missense variant.
Genome position (GRCh38, 1-based): chr16:89,758,628, A>G on the plus strand (T>C on the coding strand, the complement: FANCA is on the minus strand). VCF-style: chr16-89758628-A-G. GRCh37 (hg19) VCF-style: chr16-89825036-A-G.
Other names: c.2930T>C, p.Leu977Pro (NM_001286167.3); short protein forms L977P.
Identifiers: ClinVar variation 5036435 (VCV005036435.1).